The following is an entry in ClinVar:

NM_032608.7(MYO18B):c.6660_6670del (p.Arg2220fs)

Gene: MYO18B (myosin XVIIIB; plus strand). Cytogenetic location: 22q12.1.
Variant type: Deletion.
Coding change: c.6660_6670del on transcript NM_032608.7 (MANE Select); coding-DNA positions 6660 to 6670, 11 bases deleted (ATTAGAACCTG).
Protein change: p.Arg2220fs; shifts the reading frame from arginine 2220.
Molecular consequence: frameshift variant.
Genome position (GRCh38, 1-based): chr22:26,026,634-26,026,644, ATTAGAACCTG deleted; deleting any 11 consecutive bases within chr22:26,026,633-26,026,644 gives the same sequence; the c. name uses the placement nearest the transcript's 3' end. VCF-style (leftmost placement, unchanged base first): chr22-26026632-AGATTAGAACCT-A. GRCh37 (hg19) VCF-style: chr22-26422598-AGATTAGAACCT-A.
Other names: c.6663_6673del, p.Arg2221fs (NM_001318245.2); c.6660_6670del11 (NM_032608.5, NM_032608.7); short protein forms R2220fs, R2221fs.
Identifiers: ClinVar variation 590293 (VCV000590293.16), dbSNP rs756408696, ClinGen allele CA10161583.
Genomic context (GRCh38, chr22:26,026,632, plus strand): 5'-CAAAAGTACTGTCATTTTGGGGACGGCGAAGTGCTTGCCGTCCAGAGAAAGTCCACAGAG[AGATTAGAACCT>A]GCTTCCTCTCCCCTGGCTTCTCGGAGTACAAATACATCCCCGCTGTCGAGGGAAAAGCTG-3'

ClinVar aggregate classification (germline): Pathogenic/Likely pathogenic. Review status: criteria provided, multiple submitters, no conflicts (2 of 4 stars). 7 submissions from 7 submitters: Pathogenic (2); Likely pathogenic (4). 1 of the submissions does not count toward it. Last evaluated 2026-06-08.

Conditions:
Klippel-Feil anomaly-myopathy-facial dysmorphism syndrome. Also called: Klippel-Feil syndrome 4, autosomal recessive, with myopathy and facial dysmorphism; Klippel-feil syndrome 4, autosomal recessive, with nemaline myopathy and facial dysmorphism. Identifiers: Orphanet 447974, MedGen C4225285, MONDO:0014689, OMIM 616549.

Submissions (7):

GeneDx
Classification: Likely pathogenic. Last evaluated: 2026-06-08. Review status: criteria provided, single submitter. Criteria: GeneDx Variant Classification Process June 2021. Collection method: clinical testing. Allele origin: germline.
Comment: Frameshift variant predicted to result in abnormal protein length as the last 348 amino acids are replaced with 73 different amino acids, and other similar variants have been reported in HGMD; This variant is associated with the following publications: (PMID: 32278351, 32184166, 33179433, 31195167, 39036440)

Labcorp Genetics (formerly Invitae), Labcorp
Classification: Pathogenic. Last evaluated: 2025-08-17. Review status: criteria provided, single submitter. Criteria: Invitae Variant Classification Sherloc (09022015). Collection method: clinical testing. Allele origin: germline.
Comment: This sequence change creates a premature translational stop signal (p.Arg2220Serfs*74) in the MYO18B gene. It is expected to result in an absent or disrupted protein product. Loss-of-function variants in MYO18B are known to be pathogenic (PMID: 25748484, 32184166, 32637634). This variant is present in population databases (rs756408696, gnomAD 0.01%). This premature translational stop signal has been observed in individual(s) with Klippel-Feil syndrome (PMID: 31195167, 33179433). ClinVar contains an entry for this variant (Variation ID: 590293). For these reasons, this variant has been classified as Pathogenic.

Women's Health and Genetics/Laboratory Corporation of America, LabCorp
Classification: Pathogenic for Klippel-Feil anomaly-myopathy-facial dysmorphism syndrome. Last evaluated: 2024-12-18. Review status: criteria provided, single submitter. Criteria: LabCorp Variant Classification Summary - May 2015. Collection method: clinical testing. Allele origin: germline.
Comment: Variant summary: MYO18B c.6660_6670del11 (p.Arg2220SerfsX74) results in a premature termination codon, predicted to cause a truncation of the encoded protein or absence of the protein due to nonsense mediated decay, which are commonly known mechanisms for disease. The variant allele was found at a frequency of 4.4e-05 in 248956 control chromosomes (gnomAD). This frequency is not significantly higher than estimated for a pathogenic variant in MYO18B causing Klippel-Feil Anomaly-Myopathy Dysmorphism Syndrome, allowing no conclusion about variant significance. c.6660_6670del11 has been reported in the literature in individuals affected with Klippel-Feil Anomaly-Myopathy Dysmorphism Syndrome (Scheieffer_2019, Altuame_2021). The following publications have been ascertained in the context of this evaluation (PMID: 31195167, 33179433). ClinVar contains an entry for this variant (Variation ID: 590293). Based on the evidence outlined above, the variant was classified as pathogenic.

Pittsburgh Clinical Genomics Laboratory, University of Pittsburgh Medical Center
Classification: Likely pathogenic for Klippel-Feil anomaly-myopathy-facial dysmorphism syndrome. Last evaluated: 2021-09-08. Review status: criteria provided, single submitter. Criteria: ACMG Guidelines, 2015. Collection method: clinical testing. Allele origin: germline. Inheritance: Autosomal recessive inheritance. Affected: yes.
Comment: This sequence variant is an 11 base pair deletion in exon 43 of the Myosin 18B protein and results in an early termition codon 74 amino acids downstream of the frameshift at Arg2220. This variant is predicted to generate a non-functiol allele through either the expression of a truncated protein or a loss of MYO18 expression due to nonsense mediated decay. This is a previously reported variant (ClinVar) that is rare in control population datasets (gnomAD database, 11/248956 alleles or 0.004%). This variant has been observed in an individual with MYO18B-related disease and was a compound heterozygote for a second truncating variant in MYO18 (PMID: 31195167). Given the evidence we consider this variant to be likely pathogenic. ACMG Criteria: PM2, PVS1

Revvity Omics, Revvity
Classification: Likely pathogenic for Klippel-Feil anomaly-myopathy-facial dysmorphism syndrome. Last evaluated: 2021-08-13. Review status: criteria provided, single submitter. Criteria: ACMG Guidelines, 2015. Collection method: clinical testing. Allele origin: germline.

Institute for Genomic Medicine, Nationwide Children's Hospital
Classification: Likely pathogenic for Klippel-Feil anomaly-myopathy-facial dysmorphism syndrome. Last evaluated: 2018-10-10. Review status: criteria provided, single submitter. Criteria: ACMG Guidelines, 2015. Collection method: clinical testing. Allele origin: germline. Inheritance: Autosomal dominant inheritance. Affected: yes. Observed: 1 compound heterozygote.
Comment: These frameshift alterations encode a premature stop of translation (ACMG: PVS1). The first, p.Arg2220SerfsTer74, occurs at an amino acid position 86% of the way through the full length protein, and the second, p.Leu2257SerfsTer16, occurs 88% of the way through the full length protein. These alterations occur within exon 43 of the transcript, NM_032608.5, within the penultimate exon of the gene (also representing the final coding exon of the transcript). These variants are very rare (p.Arg2220SerfsTer74) or absent (p.Leu2257SerfsTer16) from population databases (gnomAD) (ACMG: PM2). MYO18B is associated with autosomal recessive Klippel-Feil syndrome-4 with nemaline myopathy and facial dysmorphism (OMIM: 616549). Limited phenotypic data have been described in the literature and medical databases, however MYO18B variants encoding a premature stop of translation have been previously documented in association with myopathy, mild short stature, microcephaly, cardiomyopathy, pectus deformity, digit anomalies and distinctive facies (PMID: 25748484; 27858739). Characterization of the effect of a premature stop of translation within MYO18B has been described in the setting of in-vitro analyses. Examination of an affected patient's lymphocytes harboring a nonsense alteration (p.Ser2303Ter) demonstrated markedly diminished MYO18B transcript by quantitative PCR in comparison to a control, therefore hypothesized to be consistent with nonsense-mediated decay (PMID: 25748484). Moreover, western blot analysis and immunostaining of skeletal muscle in another patient harboring a nonsense alteration (p.Glu2166Ter) demonstrated the absence of the C-terminus of the protein hypothesized to be consistent with protein truncation (PMID: 27858739).

OMIM
Classification: Pathogenic for KLIPPEL-FEIL SYNDROME 4, AUTOSOMAL RECESSIVE, WITH NEMALINE MYOPATHY AND FACIAL DYSMORPHISM. Last evaluated: 2023-10-27. Review status: no assertion criteria provided. Collection method: literature only. Allele origin: germline. Not counted in ClinVar's aggregate classification.

Literature cited by the submitters: PubMed 25748484 (cited by Labcorp Genetics (formerly Invitae), Labcorp); PubMed 32184166 (cited by Labcorp Genetics (formerly Invitae), Labcorp); PubMed 32637634 (cited by Labcorp Genetics (formerly Invitae), Labcorp); PubMed 31195167 (cited by 3 submitters); PubMed 33179433 (cited by Labcorp Genetics (formerly Invitae), Labcorp and Women's Health and Genetics/Laboratory Corporation of America, LabCorp).